The following is an entry in ClinVar:

ClinVar aggregate classification (germline): Uncertain significance (1 of 4 stars; one submission).

Submission:

Ambry Genetics
Classification: Uncertain significance. Last evaluated: 2022-11-10. Review status: criteria provided, single submitter. Criteria: Ambry Variant Classification Scheme 2023. Collection method: clinical testing. Allele origin: germline.
Comment: The p.T1051A variant (also known as c.3151A>G), located in coding exon 17 of the PALLD gene, results from an A to G substitution at nucleotide position 3151. The threonine at codon 1051 is replaced by alanine, an amino acid with similar properties. This amino acid position is conserved. In addition, the in silico prediction for this alteration is inconclusive. Since supporting evidence is limited at this time, the clinical significance of this alteration remains unclear.

NM_001166108.2(PALLD):c.3202A>G (p.Thr1068Ala)

Genes: CBR4 (carbonyl reductase 4; minus strand), PALLD (palladin, cytoskeletal associated protein; plus strand). Cytogenetic location: 4q32.3.
Variant type: single nucleotide variant.
Coding change: c.3202A>G on transcript NM_001166108.2 (MANE Select); coding-DNA position 3202, A replaced by G.
Protein change: p.Thr1068Ala; replaces threonine 1068 with alanine.
Molecular consequence: missense variant.
Genome position (GRCh38, 1-based): chr4:168,924,398, A>G. VCF-style: chr4-168924398-A-G. GRCh37 (hg19) VCF-style: chr4-169845549-A-G.
Other names: c.2005A>G, p.Thr669Ala (NM_001166109.2); c.1690A>G, p.Thr564Ala (NM_001166110.2); c.1030A>G, p.Thr344Ala (NM_001367567.1, NM_001367569.1); c.1081A>G, p.Thr361Ala (NM_001367568.1, NM_001367570.1); c.3151A>G, p.Thr1051Ala (NM_016081.4); short protein forms T1068A, T669A, T1051A, T344A, T564A, T361A.
Identifiers: ClinVar variation 2448448 (VCV002448448.2), dbSNP rs2534253305, ClinGen allele CA358712906.